The following is an entry in ClinVar:

NM_000260.4(MYO7A):c.956C>A (p.Ser319Ter)

Gene: MYO7A (myosin VIIA; plus strand). Cytogenetic location: 11q13.5.
Variant type: single nucleotide variant.
Coding change: c.956C>A on transcript NM_000260.4 (MANE Select); coding-DNA position 956, C replaced by A.
Protein change: p.Ser319Ter; replaces serine 319 with a stop codon.
Molecular consequence: nonsense.
Genome position (GRCh38, 1-based): chr11:77,158,383, C>A. VCF-style: chr11-77158383-C-A. GRCh37 (hg19) VCF-style: chr11-76869429-C-A.
Other names: c.956C>A, p.Ser319Ter (NM_001127180.2); c.923C>A, p.Ser308Ter (NM_001369365.1); short protein forms S308*, S319*.
Identifiers: ClinVar variation 983715 (VCV000983715.3), dbSNP rs782747153, ClinGen allele CA381933168.

ClinVar aggregate classification (germline): Likely pathogenic (1 of 4 stars; one submission).

Conditions:
Usher syndrome type 1 (USH1). Also called: RETINITIS PIGMENTOSA AND CONGENITAL DEAFNESS. Identifiers: Orphanet 231169, Orphanet 886, MedGen C1568247, MONDO:0010168, OMIM 276900.

Submission:

Myriad Genetics, Inc.
Classification: Likely pathogenic for Usher syndrome type 1. Last evaluated: 2019-03-04. Review status: criteria provided, single submitter. Criteria: Myriad Women's Health Autosomal Recessive and X-Linked Classification Criteria (2019). Collection method: clinical testing. Allele origin: unknown.
Comment: NM_000260.3(MYO7A):c.956C>A(S319*) is expected to be pathogenic in the context of MYO7A-related disorders. This variant is predicted to lead to an abnormal or absent protein product due to the creation of a premature termination codon in MYO7A, a gene where loss-of-function variants are known to be pathogenic. Please note: this variant was assessed in the context of healthy population screening.